The following is an entry in ClinVar:

NM_000038.6(APC):c.2972A>G (p.Glu991Gly)

Gene: APC (APC regulator of Wnt signaling pathway; plus strand). Cytogenetic location: 5q22.2.
Variant type: single nucleotide variant.
Coding change: c.2972A>G on transcript NM_000038.6 (MANE Select); coding-DNA position 2972, A replaced by G.
Protein change: p.Glu991Gly; replaces glutamic acid 991 with glycine.
Molecular consequence: missense variant. On other transcripts: non-coding transcript variant (2).
Genome position (GRCh38, 1-based): chr5:112,838,566, A>G. VCF-style: chr5-112838566-A-G. GRCh37 (hg19) VCF-style: chr5-112174263-A-G.
Other names: c.2972A>G (NM_000038.5); c.2972A>G, p.Glu991Gly (NM_001127510.3, NM_001354895.2, NM_001407450.1); c.2918A>G, p.Glu973Gly (NM_001127511.3); c.3026A>G, p.Glu1009Gly (NM_001354896.2, NM_001407447.1, NM_001407448.1 and 1 more transcripts); c.3002A>G, p.Glu1001Gly (NM_001354897.2); c.2897A>G, p.Glu966Gly (NM_001354898.2); c.2888A>G, p.Glu963Gly (NM_001354899.2); c.2849A>G, p.Glu950Gly (NM_001354900.2); and 12 more; short protein forms E1009G, E900G, E908G, E932G, E966G, E991G, E890G, E950G.
Identifiers: ClinVar variation 2911352 (VCV002911352.4), dbSNP rs2149881381, ClinGen allele CA16027827.

ClinVar aggregate classification (germline): Uncertain significance. Review status: criteria provided, multiple submitters, no conflicts (2 of 4 stars). 2 submissions from 2 submitters: Uncertain significance (2). Last evaluated 2026-06-03.

Conditions:
Hereditary cancer-predisposing syndrome. Also called: Hereditary neoplastic syndrome; Neoplastic Syndromes, Hereditary; Tumor predisposition; Hereditary Cancer Syndrome. Identifiers: Orphanet 140162, MedGen C0027672, MeSH D009386, MONDO:0015356.
Familial adenomatous polyposis 1 (FAP1). Also called: POLYPOSIS, ADENOMATOUS INTESTINAL; FAMILIAL ADENOMATOUS POLYPOSIS 1, ATTENUATED. Identifiers: MedGen C2713442, MONDO:0021056, OMIM 175100. Disease mechanism: loss of function.

Submissions (2):

Ambry Genetics
Classification: Uncertain significance for Hereditary cancer-predisposing syndrome. Last evaluated: 2026-06-03. Review status: criteria provided, single submitter. Criteria: Ambry Variant Classification Scheme 2023. Collection method: clinical testing. Allele origin: germline.
Comment: The p.E991G variant (also known as c.2972A>G), located in coding exon 15 of the APC gene, results from an A to G substitution at nucleotide position 2972. The glutamic acid at codon 991 is replaced by glycine, an amino acid with similar properties. This amino acid position is well conserved in available vertebrate species. In addition, in silico predictors for this gene do not accurately predict pathogenicity. Missense variants in APC are not a common cause of disease (Spier I et al. Genet Med. 2024 Feb;26(2):100992). Based on the available evidence, the clinical significance of this variant remains unclear.

Labcorp Genetics (formerly Invitae), Labcorp
Classification: Uncertain significance for Familial adenomatous polyposis 1. Last evaluated: 2023-01-11. Review status: criteria provided, single submitter. Criteria: Invitae Variant Classification Sherloc (09022015). Collection method: clinical testing. Allele origin: germline.
Comment: This sequence change replaces glutamic acid, which is acidic and polar, with glycine, which is neutral and non-polar, at codon 991 of the APC protein (p.Glu991Gly). In summary, the available evidence is currently insufficient to determine the role of this variant in disease. Therefore, it has been classified as a Variant of Uncertain Significance. Advanced modeling of protein sequence and biophysical properties (such as structural, functional, and spatial information, amino acid conservation, physicochemical variation, residue mobility, and thermodynamic stability) performed at Invitae indicates that this missense variant is not expected to disrupt APC protein function. This variant has not been reported in the literature in individuals affected with APC-related conditions. This variant is not present in population databases (gnomAD no frequency).